The following is an entry in ClinVar:

ClinVar aggregate classification (germline): Uncertain significance. Review status: criteria provided, multiple submitters, no conflicts (2 of 4 stars). 3 submissions from 3 submitters: Uncertain significance (3). Last evaluated 2025-09-14.

Conditions:
Hereditary nonpolyposis colorectal neoplasms. Identifiers: MedGen C0009405, MeSH D003123.
Hereditary cancer-predisposing syndrome. Also called: Hereditary Cancer Syndrome; Hereditary neoplastic syndrome; Neoplastic Syndromes, Hereditary; Tumor predisposition. Identifiers: Orphanet 140162, MedGen C0027672, MeSH D009386, MONDO:0015356.
Lynch syndrome. Identifiers: Orphanet 144, MedGen C4552100, MONDO:0005835. Disease mechanism: loss of function.

gnomAD v4.1: 10 of 1,591,390 alleles (0.00063%); highest among the groups gnomAD compares: Non-Finnish European, 0.00086%; no homozygotes.

Submissions (3):

Ambry Genetics
Classification: Uncertain significance for Hereditary cancer-predisposing syndrome. Last evaluated: 2025-09-14. Review status: criteria provided, single submitter. Criteria: Ambry Variant Classification Scheme 2023. Collection method: clinical testing. Allele origin: germline.
Comment: The p.S260C variant (also known as c.779C>G), located in coding exon 7 of the PMS2 gene, results from a C to G substitution at nucleotide position 779. The serine at codon 260 is replaced by cysteine, an amino acid with dissimilar properties. This amino acid position is not well conserved in available vertebrate species. In addition, this alteration is predicted to be tolerated by in silico analysis. Since supporting evidence is limited at this time, the clinical significance of this alteration remains unclear.

Labcorp Genetics (formerly Invitae), Labcorp
Classification: Uncertain significance for Hereditary nonpolyposis colorectal neoplasms. Last evaluated: 2025-05-18. Review status: criteria provided, single submitter. Criteria: Invitae Variant Classification Sherloc (09022015). Collection method: clinical testing. Allele origin: germline.
Comment: This sequence change replaces serine, which is neutral and polar, with cysteine, which is neutral and slightly polar, at codon 260 of the PMS2 protein (p.Ser260Cys). This variant is not present in population databases (gnomAD no frequency). This variant has not been reported in the literature in individuals affected with PMS2-related conditions. ClinVar contains an entry for this variant (Variation ID: 455742). Invitae Evidence Modeling incorporating data from in vitro experimental studies (internal data) indicates that this missense variant is not expected to disrupt PMS2 function with a negative predictive value of 95%. In summary, the available evidence is currently insufficient to determine the role of this variant in disease. Therefore, it has been classified as a Variant of Uncertain Significance.

All of Us Research Program, National Institutes of Health
Classification: Uncertain significance for Lynch syndrome. Last evaluated: 2024-10-01. Review status: criteria provided, single submitter. Criteria: ACMG Guidelines, 2015. Collection method: clinical testing. Allele origin: germline. Inheritance: Autosomal dominant inheritance. Observed: 2 variant alleles, 2 heterozygotes.
Comment: This study involves interpretation of variants in research participants for the purpose of population health screening. Participant phenotype was not available at the time of variant classification. Additional details can be found in publication PMID: 35346344, PMCID: PMC8962531

NM_000535.7(PMS2):c.779C>G (p.Ser260Cys)

Gene: PMS2 (PMS1 homolog 2, mismatch repair system component; minus strand). Cytogenetic location: 7p22.1.
Variant type: single nucleotide variant.
Coding change: c.779C>G on transcript NM_000535.7 (MANE Select); coding-DNA position 779, C replaced by G.
Protein change: p.Ser260Cys; replaces serine 260 with cysteine.
Molecular consequence: missense variant. On other transcripts: 5 prime UTR variant (2), non-coding transcript variant (1).
Genome position (GRCh38, 1-based): chr7:5,997,350, G>C on the plus strand (C>G on the coding strand, the complement: PMS2 is on the minus strand). VCF-style: chr7-5997350-G-C. GRCh37 (hg19) VCF-style: chr7-6036981-G-C.
Other names: c.374C>G, p.Ser125Cys (NM_001322003.2, NM_001322004.2, NM_001322005.2 and 2 more transcripts); c.779C>G, p.Ser260Cys (NM_001322006.2, NM_001322014.2); c.461C>G, p.Ser154Cys (NM_001322007.2, NM_001322008.2); c.-155C>G (NM_001322011.2, NM_001322012.2); c.206C>G, p.Ser69Cys (NM_001322013.2); c.470C>G, p.Ser157Cys (NM_001322015.2); short protein forms S260C, S154C, S157C, S69C, S125C.
Identifiers: ClinVar variation 455742 (VCV000455742.13), dbSNP rs777286241, ClinGen allele CA366743648.